The following is an entry in ClinVar:

NM_199242.3(UNC13D):c.753+5G>A

Gene: UNC13D (unc-13 homolog D; minus strand). Cytogenetic location: 17q25.1.
Variant type: single nucleotide variant.
Coding change: c.753+5G>A on transcript NM_199242.3 (MANE Select); 5 bases into the intron after coding-DNA position 753, G replaced by A.
Molecular consequence: intron variant.
Genome position (GRCh38, 1-based): chr17:75,840,502, C>T on the plus strand (G>A on the coding strand, the complement: UNC13D is on the minus strand). VCF-style: chr17-75840502-C-T. GRCh37 (hg19) VCF-style: chr17-73836583-C-T.
Identifiers: ClinVar variation 1310325 (VCV001310325.2), dbSNP rs1463088201, ClinGen allele CA627596838.
Genomic context (GRCh38, chr17:75,840,502, plus strand): 5'-CCCAGAACCCCTCCCAACCCCCTCCCTCTGCCTCGCTCCTGGGCCCCTTTCCTCATCCTC[C>T]TCACCTGCAGCCTCAGAACCACGTTCCCCAGAAAGTCGTCCTGGCCTTTGTCCTTCCGGG-3'

ClinVar aggregate classification (germline): Uncertain significance (1 of 4 stars; one submission).

Allele frequency attached by ClinVar (database versions not stated): gnomAD exomes below 0.00001.
gnomAD v4.1: 1 of 1,614,088 alleles (0.000062%); highest among the groups gnomAD compares: Non-Finnish European, 0.000085%; no homozygotes.

Submission:

GeneDx
Classification: Uncertain significance. Last evaluated: 2019-11-08. Review status: criteria provided, single submitter. Criteria: GeneDx Variant Classification Process June 2021. Collection method: clinical testing. Allele origin: germline. Affected: yes.
Comment: Has not been previously published as pathogenic or benign to our knowledge; In-silico analysis, which includes splice predictors and evolutionary conservation, is inconclusive as to whether the variant alters gene splicing. In the absence of RNA/functional studies, the actual effect of this sequence change is unknown.